The following is an entry in ClinVar:

NM_024420.3(PLA2G4A):c.63G>A (p.Thr21=)

Gene: PLA2G4A (phospholipase A2 group IVA; plus strand). Cytogenetic location: 1q31.1.
Variant type: single nucleotide variant.
Coding change: c.63G>A on transcript NM_024420.3 (MANE Select); coding-DNA position 63, G replaced by A.
Protein change: p.Thr21=; no amino-acid change (threonine 21 retained).
Molecular consequence: synonymous variant.
Genome position (GRCh38, 1-based): chr1:186,870,464, G>A. VCF-style: chr1-186870464-G-A. GRCh37 (hg19) VCF-style: chr1-186839596-G-A.
Other names: c.63G>A, p.Thr21= (NM_001311193.2).
Identifiers: ClinVar variation 3053079 (VCV003053079.2), dbSNP rs896903466, ClinGen allele CA34121081.

ClinVar aggregate classification (germline): Likely benign (0 of 4 stars; one submission).

Conditions:
PLA2G4A-related disorder. Also called: PLA2G4A-related condition.

Allele frequency attached by ClinVar (database versions not stated): gnomAD 0.00001; gnomAD exomes 0.00001; TOPMed 0.00002.
gnomAD v4.1: 10 of 1,610,354 alleles (0.00062%); highest among the groups gnomAD compares: Non-Finnish European, 0.00085%; no homozygotes.

Submission:

PreventionGenetics, part of Exact Sciences
Classification: Likely benign for PLA2G4A-related condition. Last evaluated: 2019-08-30. Review status: no assertion criteria provided. Collection method: clinical testing. Allele origin: germline.
Comment: This variant is classified as likely benign based on ACMG/AMP sequence variant interpretation guidelines (Richards et al. 2015 PMID: 25741868, with internal and published modifications).